The following is an entry in ClinVar:

NM_152783.5(D2HGDH):c.326C>G (p.Ser109Trp)

Gene: D2HGDH (D-2-hydroxyglutarate dehydrogenase; plus strand). Cytogenetic location: 2q37.3.
Variant type: single nucleotide variant.
Coding change: c.326C>G on transcript NM_152783.5 (MANE Select); coding-DNA position 326, C replaced by G.
Protein change: p.Ser109Trp; replaces serine 109 with tryptophan.
Molecular consequence: missense variant. On other transcripts: 5 prime UTR variant (2), non-coding transcript variant (1).
Genome position (GRCh38, 1-based): chr2:241,741,066, C>G. VCF-style: chr2-241741066-C-G. GRCh37 (hg19) VCF-style: chr2-242680481-C-G.
Other names: c.-77C>G (NM_001287249.2); c.-219C>G (NM_001352824.2); short protein forms S109W.
Identifiers: ClinVar variation 1701413 (VCV001701413.33), dbSNP rs142050154, ClinGen allele CA2221596.

ClinVar aggregate classification (germline): Pathogenic/Likely pathogenic. Review status: criteria provided, multiple submitters, no conflicts (2 of 4 stars). 2 submissions from 2 submitters: Pathogenic (1); Likely pathogenic (1). Last evaluated 2024-12-04.

Conditions:
D-2-hydroxyglutaric aciduria 1 (D2HGA1). Identifiers: Orphanet 79315, MedGen C3152055, MONDO:0024554, OMIM 600721.

Allele frequency attached by ClinVar (database versions not stated): ExAC 0.00001; ESP Exome Variant Server 0.00008.
gnomAD v4.1: 14 of 1,613,888 alleles (0.00087%); highest among the groups gnomAD compares: Non-Finnish European, 0.0011%; no homozygotes.

Submissions (2):

Labcorp Genetics (formerly Invitae), Labcorp
Classification: Likely pathogenic for D-2-hydroxyglutaric aciduria 1. Last evaluated: 2024-12-04. Review status: criteria provided, single submitter. Criteria: Invitae Variant Classification Sherloc (09022015). Collection method: clinical testing. Allele origin: germline.
Comment: This sequence change replaces serine, which is neutral and polar, with tryptophan, which is neutral and slightly polar, at codon 109 of the D2HGDH protein (p.Ser109Trp). This variant is present in population databases (rs142050154, gnomAD 0.002%). This missense change has been observed in individual(s) with D-2-hydroxyglutaric aciduria (PMID: 20020533). ClinVar contains an entry for this variant (Variation ID: 1701413). Invitae Evidence Modeling of protein sequence and biophysical properties (such as structural, functional, and spatial information, amino acid conservation, physicochemical variation, residue mobility, and thermodynamic stability) indicates that this missense variant is expected to disrupt D2HGDH protein function with a positive predictive value of 95%. Experimental studies have shown that this missense change affects D2HGDH function (PMID: 30908763, 33431826). In summary, the currently available evidence indicates that the variant is pathogenic, but additional data are needed to prove that conclusively. Therefore, this variant has been classified as Likely Pathogenic.

CeGaT Center for Human Genetics Tuebingen
Classification: Pathogenic. Last evaluated: 2019-06-01. Review status: criteria provided, single submitter. Criteria: CeGaT Center For Human Genetics Tuebingen Variant Classification Criteria Version 2. Collection method: clinical testing. Allele origin: germline. Affected: yes. Observed: 1 variant allele.

Literature cited by the submitters: PubMed 20020533 (cited by Labcorp Genetics (formerly Invitae), Labcorp); PubMed 30908763 (cited by Labcorp Genetics (formerly Invitae), Labcorp); PubMed 33431826 (cited by Labcorp Genetics (formerly Invitae), Labcorp).